The following is an entry in ClinVar:

ClinVar aggregate classification (germline): Likely pathogenic (1 of 4 stars; one submission).

Conditions:
Salla disease (SD). Also called: Less Severe FSASD (Salla Disease); Sialuria, Finnish type; N-acetylneuraminic acid (NANA) storage disease (NSD); Infantile sialic acid storage disorder (ISSD). Identifiers: Orphanet 309334, Orphanet 834, MedGen C1096903, MONDO:0011449, OMIM 604369.

Submission:

Natera, Inc.
Classification: Likely pathogenic for Salla disease. Last evaluated: 2024-02-21. Review status: criteria provided, single submitter. Criteria: Natera Variant Classification Schema (03/2026). Collection method: clinical testing. Allele origin: germline.
Comment: The c.605dupC variant in SLC17A5 is a frameshift variant predicted to shift the reading frame beginning at codon 203 and leads to a stop codon 47 codons downstream. This variant is expected to result in nonsense mediated decay, truncation, or a dysfunctional protein product. This variant is rare in the general population with a frequency below the threshold expected for the associated phenotype(s). Given the available evidence, this variant is classified as Likely Pathogenic.

NM_012434.5(SLC17A5):c.605dup (p.Tyr203fs)

Gene: SLC17A5 (solute carrier family 17 member 5; minus strand). Cytogenetic location: 6q13.
Variant type: Duplication.
Coding change: c.605dup on transcript NM_012434.5 (MANE Select); coding-DNA position 605, one base duplicated (C; older notation c.605dupC).
Protein change: p.Tyr203fs; shifts the reading frame from tyrosine 203.
Molecular consequence: frameshift variant.
Genome position (GRCh38, 1-based): chr6:73,638,420, G duplicated on the plus strand (C on the coding strand, the reverse complement: SLC17A5 is on the minus strand). VCF-style (leftmost placement, unchanged base first): chr6-73638419-T-TG. GRCh37 (hg19) VCF-style: chr6-74348142-T-TG.
Other names: c.374dup, p.Tyr126fs (NM_001382629.1, NM_001382636.1); c.605dup, p.Tyr203fs (NM_001382630.1, NM_001382632.1, NM_001382633.1 and 2 more transcripts); c.626dup, p.Tyr210fs (NM_001382631.1); short protein forms Y126fs, Y203fs, Y210fs.
Identifiers: ClinVar variation 4815575 (VCV004815575.1).